The following is an entry in ClinVar:

ClinVar aggregate classification (germline): Likely benign (0 of 4 stars; one submission).

Conditions:
MYOM2-related disorder. Also called: MYOM2-related condition.

Allele frequency attached by ClinVar (database versions not stated): 1000 Genomes Project 0.00040; ESP Exome Variant Server 0.00054; gnomAD 0.00062; ExAC 0.00063; TOPMed 0.00069; gnomAD exomes 0.00093; 1000 Genomes Project 30x 0.00094.
gnomAD v4.1: 1,452 of 1,614,162 alleles (0.09%); highest among the groups gnomAD compares: Non-Finnish European, 0.11%; 3 homozygotes.

Submission:

PreventionGenetics, part of Exact Sciences
Classification: Likely benign for MYOM2-related condition. Last evaluated: 2019-10-30. Review status: no assertion criteria provided. Collection method: clinical testing. Allele origin: germline.
Comment: This variant is classified as likely benign based on ACMG/AMP sequence variant interpretation guidelines (Richards et al. 2015 PMID: 25741868, with internal and published modifications).

NM_003970.4(MYOM2):c.600G>A (p.Pro200=)

Gene: MYOM2 (myomesin 2; plus strand). Cytogenetic location: 8p23.3.
Variant type: single nucleotide variant.
Coding change: c.600G>A on transcript NM_003970.4 (MANE Select); coding-DNA position 600, G replaced by A.
Protein change: p.Pro200=; no amino-acid change (proline 200 retained).
Molecular consequence: synonymous variant.
Genome position (GRCh38, 1-based): chr8:2,059,192, G>A. VCF-style: chr8-2059192-G-A. GRCh37 (hg19) VCF-style: chr8-2007313-G-A.
Identifiers: ClinVar variation 3050175 (VCV003050175.2), dbSNP rs145430205, ClinGen allele CA170442731.